The following is an entry in ClinVar:

ClinVar aggregate classification (germline): Uncertain significance (1 of 4 stars; one submission).

Allele frequency attached by ClinVar (database versions not stated): gnomAD exomes below 0.00001; TOPMed 0.00002.
gnomAD v4.1: 4 of 1,613,978 alleles (0.00025%); highest among the groups gnomAD compares: Non-Finnish European, 0.00034%; no homozygotes.

Submission:

Athena Diagnostics
Classification: Uncertain significance. Last evaluated: 2023-04-27. Review status: criteria provided, single submitter. Criteria: Athena Diagnostics Criteria. Collection method: clinical testing. Allele origin: unknown.
Comment: Available data are insufficient to determine the clinical significance of the variant at this time. This variant has not been reported in large, multi-ethnic general populations. Computational tools predict that this variant is not damaging.

NM_015046.7(SETX):c.3974A>G (p.Lys1325Arg)

Gene: SETX (senataxin; minus strand). Cytogenetic location: 9q34.13.
Variant type: single nucleotide variant.
Coding change: c.3974A>G on transcript NM_015046.7 (MANE Select); coding-DNA position 3974, A replaced by G.
Protein change: p.Lys1325Arg; replaces lysine 1325 with arginine.
Molecular consequence: missense variant.
Genome position (GRCh38, 1-based): chr9:132,327,624, T>C on the plus strand (A>G on the coding strand, the complement: SETX is on the minus strand). VCF-style: chr9-132327624-T-C. GRCh37 (hg19) VCF-style: chr9-135203011-T-C.
Other names: c.3974A>G, p.Lys1325Arg (NM_001351527.2, NM_001351528.2); short protein forms K1325R.
Identifiers: ClinVar variation 2684368 (VCV002684368.1), dbSNP rs1224791323, ClinGen allele CA375327766.